The following is an entry in ClinVar:

NM_206933.4(USH2A):c.5666A>G (p.Asp1889Gly)

Genes: USH2A (usherin; minus strand), USH2A-AS2 (USH2A antisense RNA 2; plus strand). Cytogenetic location: 1q41.
Variant type: single nucleotide variant.
Coding change: c.5666A>G on transcript NM_206933.4 (MANE Select); coding-DNA position 5666, A replaced by G.
Protein change: p.Asp1889Gly; replaces aspartic acid 1889 with glycine.
Molecular consequence: missense variant.
Genome position (GRCh38, 1-based): chr1:216,073,207, T>C on the plus strand (A>G on the coding strand, the complement: USH2A is on the minus strand). VCF-style: chr1-216073207-T-C. GRCh37 (hg19) VCF-style: chr1-216246549-T-C.
Other names: short protein forms D1889G.
Identifiers: ClinVar variation 557377 (VCV000557377.10), dbSNP rs775803174, ClinGen allele CA1395386.

ClinVar aggregate classification (germline): Uncertain significance. Review status: criteria provided, multiple submitters, no conflicts (2 of 4 stars). 8 submissions from 7 submitters: Uncertain significance (6). 2 of the submissions do not count toward it. Last evaluated 2023-11-04.

Conditions:
Usher syndrome type 2A. Also called: RETINAL DISEASE IN USHER SYNDROME TYPE IIA, MODIFIER OF; USHER SYNDROME, TYPE IIA. Identifiers: Orphanet 231178, Orphanet 886, MedGen C1848634, MONDO:0010169, OMIM 276901.
Retinitis pigmentosa 39 (RP39). Identifiers: Orphanet 791, MedGen C3151138, MONDO:0013436, OMIM 613809.

Allele frequency attached by ClinVar (database versions not stated): gnomAD exomes below 0.00001 and 0.00001; ExAC 0.00001.
gnomAD v4.1: 3 of 1,613,876 alleles (0.00019%); highest among the groups gnomAD compares: Non-Finnish European, 0.00025%; no homozygotes.

Submissions (8):

Genome-Nilou Lab
Classification: Uncertain significance for Retinitis pigmentosa 39. Last evaluated: 2023-11-04. Review status: criteria provided, single submitter. Criteria: ACMG Guidelines, 2015. Collection method: clinical testing. Allele origin: germline. Affected: no.

Genome-Nilou Lab
Classification: Uncertain significance for Usher syndrome type 2A. Last evaluated: 2023-11-04. Review status: criteria provided, single submitter. Criteria: ACMG Guidelines, 2015. Collection method: clinical testing. Allele origin: germline. Affected: no.

Women's Health and Genetics/Laboratory Corporation of America, LabCorp
Classification: Uncertain significance. Last evaluated: 2022-11-07. Review status: criteria provided, single submitter. Criteria: LabCorp Variant Classification Summary - May 2015. Collection method: clinical testing. Allele origin: germline.
Comment: Variant summary: USH2A c.5666A>G (p.Asp1889Gly) results in a non-conservative amino acid change located in the Fibronectin type III domain (IPR003961) of the encoded protein sequence. Five of five in-silico tools predict a damaging effect of the variant on protein function. The variant allele was found at a frequency of 4e-06 in 250586 control chromosomes (gnomAD). The available data on variant occurrences in the general population are insufficient to allow any conclusion about variant significance. c.5666A>G has been reported in the literature in individuals affected with Usher related conditions with a non-informative genotype (example: Aparisi_2014, Sanchez-Navarro_2017, and PereaRomero_2021). These report(s) do not provide unequivocal conclusions about association of the variant with Usher Syndrome. To our knowledge, no experimental evidence demonstrating an impact on protein function has been reported. Four clinical diagnostic laboratories have submitted clinical-significance assessments for this variant to ClinVar after 2014 and all classified the variant as uncertain significance. Based on the evidence outlined above, the variant was classified as uncertain significance.

Labcorp Genetics (formerly Invitae), Labcorp
Classification: Uncertain significance. Last evaluated: 2022-10-05. Review status: criteria provided, single submitter. Criteria: Invitae Variant Classification Sherloc (09022015). Collection method: clinical testing. Allele origin: germline.
Comment: This sequence change replaces aspartic acid, which is acidic and polar, with glycine, which is neutral and non-polar, at codon 1889 of the USH2A protein (p.Asp1889Gly). The frequency data for this variant in the population databases is considered unreliable, as metrics indicate poor data quality at this position in the gnomAD database. This missense change has been observed in individual(s) with Usher syndrome (PMID: 25404053, 29588463). ClinVar contains an entry for this variant (Variation ID: 557377). Advanced modeling of protein sequence and biophysical properties (such as structural, functional, and spatial information, amino acid conservation, physicochemical variation, residue mobility, and thermodynamic stability) performed at Invitae indicates that this missense variant is expected to disrupt USH2A protein function. In summary, the available evidence is currently insufficient to determine the role of this variant in disease. Therefore, it has been classified as a Variant of Uncertain Significance.

Blueprint Genetics
Classification: Uncertain significance. Last evaluated: 2021-02-03. Review status: criteria provided, single submitter. Criteria: ACMG Guidelines, 2015. Collection method: clinical testing. Allele origin: germline.

Fulgent Genetics
Classification: Uncertain significance for Usher syndrome type 2A; Retinitis pigmentosa 39. Last evaluated: 2018-10-31. Review status: criteria provided, single submitter. Criteria: ACMG Guidelines, 2015. Collection method: clinical testing. Allele origin: unknown.

Natera, Inc.
Classification: Uncertain significance for Usher syndrome type 2A. Last evaluated: 2020-01-21. Review status: no assertion criteria provided. Collection method: clinical testing. Allele origin: germline. Not counted in ClinVar's aggregate classification.

Counsyl
Classification: Uncertain significance for Usher syndrome type 2A; Retinitis pigmentosa 39. Last evaluated: 2018-03-22. Review status: no assertion criteria provided. Collection method: clinical testing. Allele origin: unknown. Not counted in ClinVar's aggregate classification.

Literature cited by the submitters: PubMed 29588463 (cited by Women's Health and Genetics/Laboratory Corporation of America, LabCorp and Labcorp Genetics (formerly Invitae), Labcorp); PubMed 25404053 (cited by 3 submitters); PubMed 34448047 (cited by Women's Health and Genetics/Laboratory Corporation of America, LabCorp).